The following is an entry in ClinVar:

NM_000532.5(PCCB):c.1612C>T (p.Pro538Ser)

Gene: PCCB (propionyl-CoA carboxylase subunit beta; plus strand). Cytogenetic location: 3q22.3.
Variant type: single nucleotide variant.
Coding change: c.1612C>T on transcript NM_000532.5 (MANE Select); coding-DNA position 1612, C replaced by T.
Protein change: p.Pro538Ser; replaces proline 538 with serine.
Molecular consequence: missense variant.
Genome position (GRCh38, 1-based): chr3:136,330,018, C>T. VCF-style: chr3-136330018-C-T. GRCh37 (hg19) VCF-style: chr3-136048860-C-T.
Other names: c.1672C>T, p.Pro558Ser (NM_001178014.2); short protein forms P558S, P538S.
Identifiers: ClinVar variation 1424735 (VCV001424735.3), dbSNP rs775930817, ClinGen allele CA2632247.

ClinVar aggregate classification (germline): Uncertain significance (1 of 4 stars; one submission).

Conditions:
Propionic acidemia (PROP). Also called: GLYCINEMIA, KETOTIC; HYPERGLYCINEMIA WITH KETOACIDOSIS AND LEUKOPENIA; KETOTIC HYPERGLYCINEMIA. Identifiers: Orphanet 35, MedGen C0268579, MONDO:0011628, OMIM 606054, HP:0003571.

Allele frequency attached by ClinVar (database versions not stated): gnomAD exomes below 0.00001 and 0.00001; TOPMed below 0.00001; ExAC 0.00001.

Submission:

Labcorp Genetics (formerly Invitae), Labcorp
Classification: Uncertain significance for Propionic acidemia. Last evaluated: 2022-04-27. Review status: criteria provided, single submitter. Criteria: Invitae Variant Classification Sherloc (09022015). Collection method: clinical testing. Allele origin: germline.
Comment: This sequence change replaces proline, which is neutral and non-polar, with serine, which is neutral and polar, at codon 538 of the PCCB protein (p.Pro538Ser). This variant is present in population databases (rs775930817, gnomAD 0.007%). This variant has not been reported in the literature in individuals affected with PCCB-related conditions. Advanced modeling of protein sequence and biophysical properties (such as structural, functional, and spatial information, amino acid conservation, physicochemical variation, residue mobility, and thermodynamic stability) performed at Invitae indicates that this missense variant is expected to disrupt PCCB protein function. In summary, the available evidence is currently insufficient to determine the role of this variant in disease. Therefore, it has been classified as a Variant of Uncertain Significance.